The following is an entry in ClinVar:

NM_000038.6(APC):c.5296G>A (p.Asp1766Asn)

Gene: APC (APC regulator of WNT signaling pathway; plus strand). Cytogenetic location: 5q22.2.
Variant type: single nucleotide variant.
Coding change: c.5296G>A on transcript NM_000038.6 (MANE Select); coding-DNA position 5296, G replaced by A.
Protein change: p.Asp1766Asn; replaces aspartic acid 1766 with asparagine.
Molecular consequence: missense variant. On other transcripts: non-coding transcript variant (2).
Genome position (GRCh38, 1-based): chr5:112,840,890, G>A. VCF-style: chr5-112840890-G-A. GRCh37 (hg19) VCF-style: chr5-112176587-G-A.
Other names: c.5296G>A, p.Asp1766Asn (NM_001127510.3, NM_001354895.2, NM_001407450.1); c.5242G>A, p.Asp1748Asn (NM_001127511.3); c.5350G>A, p.Asp1784Asn (NM_001354896.2, NM_001407447.1, NM_001407448.1 and 1 more transcripts); c.5326G>A, p.Asp1776Asn (NM_001354897.2); c.5221G>A, p.Asp1741Asn (NM_001354898.2); c.5212G>A, p.Asp1738Asn (NM_001354899.2); c.5173G>A, p.Asp1725Asn (NM_001354900.2); c.5119G>A, p.Asp1707Asn (NM_001354901.2, NM_001407453.1); and 11 more; short protein forms D1382N, D1483N, D1606N, D1637N, D1640N, D1665N, D1675N, D1683N.
Identifiers: ClinVar variation 3386857 (VCV003386857.1).

ClinVar aggregate classification (germline): Uncertain significance (1 of 4 stars; one submission).

Conditions:
Classic or attenuated familial adenomatous polyposis. Identifiers: MedGen CN372698, MONDO:0021057.

Submission:

All of Us Research Program, National Institutes of Health
Classification: Uncertain significance for Classic or attenuated familial adenomatous polyposis. Last evaluated: 2024-08-06. Review status: criteria provided, single submitter. Criteria: ACMG Guidelines, 2015. Collection method: clinical testing. Allele origin: germline. Inheritance: Autosomal dominant inheritance. Observed: 1 variant allele, 1 heterozygote.
Comment: This study involves interpretation of variants in research participants for the purpose of population health screening. Participant phenotype was not available at the time of variant classification. Additional details can be found in publication PMID: 35346344, PMCID: PMC8962531